The following is an entry in ClinVar:

ClinVar aggregate classification (germline): Likely benign (0 of 4 stars; one submission).

Conditions:
PHIP-related disorder. Also called: PHIP-related condition; PHIP-related disorders.

gnomAD v4.1: 16 of 1,604,816 alleles (0.001%); highest among the groups gnomAD compares: Non-Finnish European, 0.0014%; no homozygotes.

Submission:

PreventionGenetics, part of Exact Sciences
Classification: Likely benign for PHIP-related condition. Last evaluated: 2024-02-26. Review status: no assertion criteria provided. Collection method: clinical testing. Allele origin: germline.
Comment: This variant is classified as likely benign based on ACMG/AMP sequence variant interpretation guidelines (Richards et al. 2015 PMID: 25741868, with internal and published modifications).

NM_017934.7(PHIP):c.994+7T>C

Gene: PHIP (PHIP subunit of CUL4-Ring ligase complex; minus strand). Cytogenetic location: 6q14.1.
Variant type: single nucleotide variant.
Coding change: c.994+7T>C on transcript NM_017934.7 (MANE Select); 7 bases into the intron after coding-DNA position 994, T replaced by C.
Molecular consequence: intron variant.
Genome position (GRCh38, 1-based): chr6:79,019,082, A>G on the plus strand (T>C on the coding strand, the complement: PHIP is on the minus strand). VCF-style: chr6-79019082-A-G. GRCh37 (hg19) VCF-style: chr6-79728799-A-G.
Identifiers: ClinVar variation 3348775 (VCV003348775.1).